The following is an entry in ClinVar:

ClinVar aggregate classification (germline): Likely pathogenic (1 of 4 stars; one submission).

Conditions:
MC4R-related disorder. Also called: MC4R-related condition.

Submission:

PreventionGenetics, part of Exact Sciences
Classification: Likely pathogenic for MC4R-related condition. Last evaluated: 2025-11-26. Review status: criteria provided, single submitter. Criteria: ACMG Guidelines, 2015. Collection method: clinical testing. Allele origin: germline.
Comment: The MC4R c.809_810dupCT variant is predicted to result in a frameshift and premature protein termination (p.Cys271Leufs*21). To our knowledge, this variant has not been reported in the literature or in a large population database (gnomAD), indicating this variant is rare. Frameshift variants in MC4R are expected to be pathogenic. This variant is interpreted as likely pathogenic.

NM_005912.3(MC4R):c.809_810dup (p.Cys271fs)

Gene: MC4R (melanocortin 4 receptor; minus strand). Cytogenetic location: 18q21.32.
Variant type: Microsatellite.
Coding change: c.809_810dup on transcript NM_005912.3 (MANE Select); coding-DNA positions 809 to 810, 2 bases duplicated (CT; older notation c.809_810dupCT).
Protein change: p.Cys271fs; shifts the reading frame from cysteine 271.
Molecular consequence: frameshift variant.
Genome position (GRCh38, 1-based): chr18:60,371,540-60,371,541, AG duplicated on the plus strand (CT on the coding strand, the reverse complement: MC4R is on the minus strand); duplicating any 2 consecutive bases within chr18:60,371,540-60,371,544 gives the same sequence; the c. name uses the placement nearest the transcript's 3' end. VCF-style (leftmost placement, unchanged base first): chr18-60371539-A-AAG. GRCh37 (hg19) VCF-style: chr18-58038772-A-AAG.
Other names: short protein forms C271fs.
Identifiers: ClinVar variation 4993935 (VCV004993935.1).
Genomic context (GRCh38, chr18:60,371,539, plus strand): 5'-TCAGTATGAGATACAAGTTAAAGTGAGACATGAAGCACACACAATATGGATTCTGAGGAC[A>AAG]AGAGATGTAGAATATTAAGTGGAGGAAGAATGGGGCCCAGCAGACAACAAAGACGCCAAT-3'